The following is an entry in ClinVar:

ClinVar aggregate classification (germline): Uncertain significance (1 of 4 stars; one submission).

Conditions:
Fetal akinesia deformation sequence 1 (FADS1). Also called: Fetal akinesia sequence; Pena-Shokeir syndrome type I. Identifiers: Orphanet 994, MedGen C1276035, MONDO:0100101, OMIM 208150, HP:0001989.
Congenital myasthenic syndrome 10. Also called: Myasthenia, limb-girdle, familial. Identifiers: Orphanet 590, MedGen C1850792, MONDO:0009690, OMIM 254300.

Submission:

Labcorp Genetics (formerly Invitae), Labcorp
Classification: Uncertain significance for Congenital myasthenic syndrome 10; Fetal akinesia deformation sequence 1. Last evaluated: 2021-12-27. Review status: criteria provided, single submitter. Criteria: Invitae Variant Classification Sherloc (09022015). Collection method: clinical testing. Allele origin: germline.
Comment: This variant, c.1145_1171del, results in the deletion of 9 amino acid(s) of the DOK7 protein (p.Glu382_Pro390del), but otherwise preserves the integrity of the reading frame. This variant is present in population databases (no rsID available, gnomAD 0.007%). This variant has not been reported in the literature in individuals affected with DOK7-related conditions. Experimental studies and prediction algorithms are not available or were not evaluated, and the functional significance of this variant is currently unknown. In summary, the available evidence is currently insufficient to determine the role of this variant in disease. Therefore, it has been classified as a Variant of Uncertain Significance.

NM_173660.5(DOK7):c.1145_1171del (p.Glu382_Pro390del)

Gene: DOK7 (docking protein 7; plus strand). Cytogenetic location: 4p16.3.
Variant type: Deletion.
Coding change: c.1145_1171del on transcript NM_173660.5 (MANE Select); coding-DNA positions 1145 to 1171, 27 bases deleted (AGCCCAGCCTGTGCACCTGCCTGCCCG).
Protein change: p.Glu382_Pro390del.
Molecular consequence: inframe deletion. On other transcripts: 3 prime UTR variant (1).
Genome position (GRCh38, 1-based): chr4:3,493,131-3,493,157, AGCCCAGCCTGTGCACCTGCCTGCCCG deleted; deleting any 27 consecutive bases within chr4:3,493,127-3,493,157 gives the same sequence; the c. name uses the placement nearest the transcript's 3' end. VCF-style (leftmost placement, unchanged base first): chr4-3493126-CCCCGAGCCCAGCCTGTGCACCTGCCTG-C. GRCh37 (hg19) VCF-style: chr4-3494853-CCCCGAGCCCAGCCTGTGCACCTGCCTG-C.
Other names: c.*366_*392del (NM_001164673.2); c.215_241del, p.Glu72_Pro80del (NM_001256896.2); c.1145_1171del, p.Glu382_Pro390del (NM_001301071.2); c.713_739del, p.Glu238_Pro246del (NM_001363811.2).
Identifiers: ClinVar variation 2084467 (VCV002084467.1), dbSNP rs1560233159, ClinGen allele CA549706166.